The following is an entry in ClinVar:

NM_000297.4(PKD2):c.1261G>A (p.Ala421Thr)

Gene: PKD2 (polycystin 2, transient receptor potential cation channel; plus strand). Cytogenetic location: 4q22.1.
Variant type: single nucleotide variant.
Coding change: c.1261G>A on transcript NM_000297.4 (MANE Select); coding-DNA position 1261, G replaced by A.
Protein change: p.Ala421Thr; replaces alanine 421 with threonine.
Molecular consequence: missense variant. On other transcripts: non-coding transcript variant (1).
Genome position (GRCh38, 1-based): chr4:88,043,399, G>A. VCF-style: chr4-88043399-G-A. GRCh37 (hg19) VCF-style: chr4-88964551-G-A.
Other names: short protein forms A421T.
Identifiers: ClinVar variation 937837 (VCV000937837.11), dbSNP rs748280556, ClinGen allele CA357616009.

ClinVar aggregate classification (germline): Uncertain significance. Review status: criteria provided, multiple submitters, no conflicts (2 of 4 stars). 2 submissions from 2 submitters: Uncertain significance (2). Last evaluated 2022-02-11.

Conditions:
Autosomal dominant polycystic kidney disease. Identifiers: Orphanet 730, MedGen C0085413, MONDO:0004691.
Polycystic kidney disease 2 (PKD2). Also called: Polycystic Kidney Disease 2, Autosomal Dominant; POLYCYSTIC KIDNEY DISEASE, ADULT, TYPE II; POLYCYSTIC KIDNEY DISEASE 2 WITH OR WITHOUT POLYCYSTIC LIVER DISEASE. Identifiers: MedGen C2751306, MONDO:0013131, OMIM 613095.

Submissions (2):

Fulgent Genetics
Classification: Uncertain significance for Polycystic kidney disease 2. Last evaluated: 2022-02-11. Review status: criteria provided, single submitter. Criteria: ACMG Guidelines, 2015. Collection method: clinical testing. Allele origin: unknown.

Labcorp Genetics (formerly Invitae), Labcorp
Classification: Uncertain significance for Autosomal dominant polycystic kidney disease. Last evaluated: 2020-03-14. Review status: criteria provided, single submitter. Criteria: Invitae Variant Classification Sherloc (09022015). Collection method: clinical testing. Allele origin: germline.
Comment: This sequence change replaces alanine with threonine at codon 421 of the PKD2 protein (p.Ala421Thr). The alanine residue is highly conserved and there is a small physicochemical difference between alanine and threonine. This variant is not present in population databases (ExAC no frequency). This variant has not been reported in the literature in individuals with PKD2-related conditions. Algorithms developed to predict the effect of missense changes on protein structure and function are either unavailable or do not agree on the potential impact of this missense change (SIFT: "Tolerated"; PolyPhen-2: "Probably Damaging"; Align-GVGD: "Class C0"). In summary, the available evidence is currently insufficient to determine the role of this variant in disease. Therefore, it has been classified as a Variant of Uncertain Significance.